The following is an entry in ClinVar:

ClinVar aggregate classification (germline): Uncertain significance. Review status: criteria provided, multiple submitters, no conflicts (2 of 4 stars). 4 submissions from 4 submitters: Uncertain significance (3). 1 of the submissions does not count toward it. Last evaluated 2024-10-21.

Conditions:
Retinal dystrophy. Also called: Inherited retinal dystrophy. Identifiers: Orphanet 71862, MedGen C0854723, MeSH D058499, MONDO:0019118, HP:0000556.

Allele frequency attached by ClinVar (database versions not stated): TOPMed 0.00009; gnomAD exomes 0.00010 and 0.00012; gnomAD 0.00011; ExAC 0.00012; ESP Exome Variant Server 0.00015.
gnomAD v4.1: 162 of 1,592,432 alleles (0.01%); highest among the groups gnomAD compares: Non-Finnish European, 0.013%; no homozygotes.

Submissions (4):

Blueprint Genetics
Classification: Uncertain significance. Last evaluated: 2024-10-21. Review status: criteria provided, single submitter. Criteria: ACMG Guidelines, 2015. Collection method: clinical testing. Allele origin: germline.

Labcorp Genetics (formerly Invitae), Labcorp
Classification: Uncertain significance. Last evaluated: 2022-09-27. Review status: criteria provided, single submitter. Criteria: Invitae Variant Classification Sherloc (09022015). Collection method: clinical testing. Allele origin: germline.
Comment: This sequence change falls in intron 3 of the PCYT1A gene. It does not directly change the encoded amino acid sequence of the PCYT1A protein. It affects a nucleotide within the consensus splice site. This variant is present in population databases (rs375529354, gnomAD 0.02%). This variant has not been reported in the literature in individuals affected with PCYT1A-related conditions. ClinVar contains an entry for this variant (Variation ID: 1046610). Variants that disrupt the consensus splice site are a relatively common cause of aberrant splicing (PMID: 17576681, 9536098). Algorithms developed to predict the effect of sequence changes on RNA splicing suggest that this variant is not likely to affect RNA splicing. In summary, the available evidence is currently insufficient to determine the role of this variant in disease. Therefore, it has been classified as a Variant of Uncertain Significance.

GeneDx
Classification: Uncertain significance. Last evaluated: 2019-08-29. Review status: criteria provided, single submitter. Criteria: GeneDx Variant Classification Process June 2021. Collection method: clinical testing. Allele origin: germline. Affected: yes.
Comment: Has not been previously published as pathogenic or benign to our knowledge; In-silico analysis, which includes splice predictors and evolutionary conservation, is inconclusive as to whether the variant alters gene splicing. In the absence of RNA/functional studies, the actual effect of this sequence change is unknown.

Institute of Human Genetics, Univ. Regensburg, Univ. Regensburg
Classification: Uncertain significance for Retinal dystrophy. Last evaluated: 2023-01-01. Review status: no assertion criteria provided. Criteria: ACMG Guidelines, 2015. Collection method: clinical testing. Allele origin: germline. Affected: yes. Not counted in ClinVar's aggregate classification.

Literature cited by the submitters: PubMed 17576681 (cited by Labcorp Genetics (formerly Invitae), Labcorp); PubMed 9536098 (cited by Labcorp Genetics (formerly Invitae), Labcorp).

NM_001312673.2(PCYT1A):c.117+5G>A

Gene: PCYT1A (phosphate cytidylyltransferase 1A, choline; minus strand). Cytogenetic location: 3q29.
Variant type: single nucleotide variant.
Coding change: c.117+5G>A on transcript NM_001312673.2 (MANE Select); 5 bases into the intron after coding-DNA position 117, G replaced by A.
Molecular consequence: intron variant.
Genome position (GRCh38, 1-based): chr3:196,270,410, C>T on the plus strand (G>A on the coding strand, the complement: PCYT1A is on the minus strand). VCF-style: chr3-196270410-C-T. GRCh37 (hg19) VCF-style: chr3-195997281-C-T.
Other names: c.117+5G>A (NM_005017.4).
Identifiers: ClinVar variation 1046610 (VCV001046610.6), dbSNP rs375529354, ClinGen allele CA2779647.